The following is an entry in ClinVar:

ClinVar aggregate classification (germline): Uncertain significance (1 of 4 stars; one submission).

Submission:

Labcorp Genetics (formerly Invitae), Labcorp
Classification: Uncertain significance. Last evaluated: 2021-09-02. Review status: criteria provided, single submitter. Criteria: Invitae Variant Classification Sherloc (09022015). Collection method: clinical testing. Allele origin: germline.
Comment: In summary, the available evidence is currently insufficient to determine the role of this variant in disease. Therefore, it has been classified as a Variant of Uncertain Significance. Advanced modeling of protein sequence and biophysical properties (such as structural, functional, and spatial information, amino acid conservation, physicochemical variation, residue mobility, and thermodynamic stability) performed at Invitae indicates that this missense variant is not expected to disrupt LRP5 protein function. This variant has not been reported in the literature in individuals affected with LRP5-related conditions. This variant is not present in population databases (ExAC no frequency). This sequence change replaces valine with leucine at codon 756 of the LRP5 protein (p.Val756Leu). The valine residue is highly conserved and there is a small physicochemical difference between valine and leucine.

NM_002335.4(LRP5):c.2266G>C (p.Val756Leu)

Gene: LRP5 (LDL receptor related protein 5; plus strand). Cytogenetic location: 11q13.2.
Variant type: single nucleotide variant.
Coding change: c.2266G>C on transcript NM_002335.4 (MANE Select); coding-DNA position 2266, G replaced by C.
Protein change: p.Val756Leu; replaces valine 756 with leucine.
Molecular consequence: missense variant.
Genome position (GRCh38, 1-based): chr11:68,410,088, G>C. VCF-style: chr11-68410088-G-C. GRCh37 (hg19) VCF-style: chr11-68177556-G-C.
Other names: c.523G>C, p.Val175Leu (NM_001291902.2); short protein forms V175L, V756L.
Identifiers: ClinVar variation 1379262 (VCV001379262.6), dbSNP rs138777930, ClinGen allele CA381616629.
Genomic context (GRCh38, chr11:68,410,088, plus strand): 5'-GACACTGGGACCAACAGAATCGAAGTGGCGCGGCTGGACGGGCAGTTCCGGCAAGTCCTC[G>C]TGTGGAGGGACTTGGACAACCCGAGGTCGCTGGCCCTGGATCCCACCAAGGGGTAAGTGT-3'
Protein context (NP_002326.2, residues 746-766): RLDGQFRQVL[Val756Leu]WRDLDNPRSL